The following is an entry in ClinVar:

ClinVar aggregate classification (germline): Pathogenic (3 of 4 stars; one submission).

Conditions:
Glanzmann thrombasthenia. Also called: THROMBASTHENIA OF GLANZMANN AND NAEGELI; BLEEDING DISORDER, PLATELET-TYPE, 2; Thrombasthenia; PLATELET GLYCOPROTEIN IIb-IIIa DEFICIENCY; Glanzmann's thrombasthenia. Identifiers: Orphanet 849, MedGen C0040015, MONDO:0100326.

Submission:

ClinGen Platelet Disorders Variant Curation Expert Panel, ClinGen
Classification: Pathogenic for Glanzmann thrombasthenia. Last evaluated: 2021-11-04. Review status: reviewed by expert panel. Criteria: ClinGen Platelet ACMG Specifications v2. Collection method: curation. Allele origin: germline. Inheritance: Autosomal recessive inheritance.
Comment: The NM_000212.3(ITGB3):c.1784_1802delinsGTCACA variant results in a frameshift (p.Ser595CysfsTer70) with a premature stop codon in exon 12/15 leading to nonsense mediated decay in a gene in which loss-of-function is an established disease mechanism (PVS1). At least one proband has been reported with this variant, GT41 of PMID: 29675921 who meets the criteria for PP4_strong. GT41 is comopund heterozygous for this variant and Trp579Ter (classified Pathogenic by the PD-VCEP (PM3_supporting). This variant is absent from gnomAD v2.1.1 (PM2_supporting). In summary, this variant meets the criteria to be classified as Pathogenic for autosomal recessive Glanzmann Thrombasthenia based on the ACMG/AMP criteria applied, as specified by the ClinGen PD VCEP: PVS1, PM2_supporting, PM3_supporting, PP4_strong. (VCEP specifications version 2; date of approval 11/04/2021)

NM_000212.3(ITGB3):c.1784_1802delinsGTCACA (p.Ser595fs)

Gene: ITGB3 (integrin subunit beta 3; plus strand). Cytogenetic location: 17q21.32.
Variant type: Indel.
Coding change: c.1784_1802delinsGTCACA on transcript NM_000212.3 (MANE Select); coding-DNA positions 1784 to 1802, CCAGCAATGGGCTGCTGTG replaced by GTCACA.
Protein change: p.Ser595fs; shifts the reading frame from serine 595.
Molecular consequence: frameshift variant.
Genome position (GRCh38, 1-based): chr17:47,299,401-47,299,419, CCAGCAATGGGCTGCTGTG replaced by GTCACA. VCF-style: chr17-47299401-CCAGCAATGGGCTGCTGTG-GTCACA. GRCh37 (hg19) VCF-style: chr17-45376767-CCAGCAATGGGCTGCTGTG-GTCACA.
Other names: NM_000212.3:c.1784_1802delinsGTCACA; short protein forms S595fs.
Identifiers: ClinVar variation 1330323 (VCV001330323.1), dbSNP rs2143129998, ClinGen allele CA915940255.